The following is an entry in ClinVar:

ClinVar aggregate classification (germline): Likely benign. Review status: criteria provided, multiple submitters, no conflicts (2 of 4 stars). 6 submissions from 6 submitters: Likely benign (6). Last evaluated 2026-05-12.

Conditions:
ALPK3-related disorder. Also called: ALPK3-related condition.
Cardiovascular phenotype. Identifiers: MedGen CN230736.

Allele frequency attached by ClinVar (database versions not stated): gnomAD exomes 0.00003 and 0.00004; ExAC 0.00004; gnomAD 0.00014 and 0.00015; 1000 Genomes Project 0.00020; ESP Exome Variant Server 0.00023; TOPMed 0.00024; 1000 Genomes Project 30x 0.00031.
gnomAD v4.1: 71 of 1,613,584 alleles (0.0044%); highest among the groups gnomAD compares: Middle Eastern, 0.15%; 1 homozygote.

Submissions (6):

PreventionGenetics, part of Exact Sciences
Classification: Likely benign for ALPK3-related condition. Last evaluated: 2026-05-12. Review status: criteria provided, single submitter. Criteria: ACMG Guidelines, 2015. Collection method: clinical testing. Allele origin: germline.
Comment: This variant is classified as likely benign based on ACMG/AMP sequence variant interpretation guidelines (Richards et al. 2015 PMID: 25741868, with internal and published modifications).

Women's Health and Genetics/Laboratory Corporation of America, LabCorp
Classification: Likely benign. Last evaluated: 2026-04-20. Review status: criteria provided, single submitter. Criteria: LabCorp Variant Classification Summary - May 2015. Collection method: clinical testing. Allele origin: germline.
Comment: Variant summary: ALPK3 c.4398C>T alters a conserved nucleotide resulting in a synonymous change. Consensus agreement among computation tools predict no significant impact on normal splicing. However, these predictions have yet to be confirmed by functional studies. The variant allele was found at a frequency of 4.4e-05 in 250960 control chromosomes in the gnomAD database, including 1 homozygotes. This frequency is not significantly higher than estimated for disease-causing variants in ALPK3, allowing no conclusion about variant significance. To our knowledge, no occurrence of c.4398C>T in individuals affected with ALPK3-related conditions and no experimental evidence demonstrating its impact on protein function have been reported. ClinVar contains an entry for this variant (Variation ID: 1462763). Based on the evidence outlined above, the variant was classified as likely benign.

Labcorp Genetics (formerly Invitae), Labcorp
Classification: Likely benign. Last evaluated: 2026-01-25. Review status: criteria provided, single submitter. Criteria: Invitae Variant Classification Sherloc (09022015). Collection method: clinical testing. Allele origin: germline.

Blueprint Genetics
Classification: Likely benign. Last evaluated: 2024-11-12. Review status: criteria provided, single submitter. Criteria: ACMG Guidelines, 2015. Collection method: clinical testing. Allele origin: germline.

Ambry Genetics
Classification: Likely benign for Cardiovascular phenotype. Last evaluated: 2019-05-22. Review status: criteria provided, single submitter. Criteria: Ambry Variant Classification Scheme 2023. Collection method: clinical testing. Allele origin: germline.

Breakthrough Genomics
Classification: Likely benign. Review status: criteria provided, single submitter. Criteria: ACMG Guidelines, 2015. Collection method: not provided. Allele origin: germline. Inheritance: Autosomal recessive inheritance. Affected: yes.

NM_020778.5(ALPK3):c.4398C>T (p.Asp1466=)

Gene: ALPK3 (alpha kinase 3; plus strand). Cytogenetic location: 15q25.3.
Variant type: single nucleotide variant.
Coding change: c.4398C>T on transcript NM_020778.5 (MANE Select); coding-DNA position 4398, C replaced by T.
Protein change: p.Asp1466=; no amino-acid change (aspartic acid 1466 retained).
Molecular consequence: synonymous variant.
Genome position (GRCh38, 1-based): chr15:84,862,903, C>T. VCF-style: chr15-84862903-C-T. GRCh37 (hg19) VCF-style: chr15-85406134-C-T.
Identifiers: ClinVar variation 1462763 (VCV001462763.14), dbSNP rs139907293, ClinGen allele CA7709947.